The following is an entry in ClinVar:

NM_006516.4(SLC2A1):c.275+1del

Gene: SLC2A1 (solute carrier family 2 member 1; minus strand). Cytogenetic location: 1p34.2.
Variant type: Deletion.
Coding change: c.275+1del on transcript NM_006516.4 (MANE Select); the canonical splice donor site of the intron after coding-DNA position 275, one base deleted (G; older notation c.275+1delG).
Molecular consequence: splice donor variant.
Genome position (GRCh38, 1-based): chr1:42,931,045, C deleted on the plus strand (G on the coding strand, the reverse complement: SLC2A1 is on the minus strand); the first of 2 consecutive C bases (chr1:42,931,045-42,931,046); deleting either gives the same sequence. VCF-style (leftmost placement, unchanged base first): chr1-42931044-AC-A. GRCh37 (hg19) VCF-style: chr1-43396715-AC-A.
Identifiers: ClinVar variation 1048756 (VCV001048756.2), dbSNP rs2124450705, ClinGen allele CA2499214727.

ClinVar aggregate classification (germline): Pathogenic (0 of 4 stars; one submission).

Conditions:
Encephalopathy due to GLUT1 deficiency. Also called: GLUCOSE TRANSPORT DEFECT, BLOOD-BRAIN BARRIER; GLUT1 deficiency syndrome 1; Glucose transporter protein syndrome; De Vivo disease; GLUT1 deficiency syndrome 1, infantile onset, severe; Classic Glucose Transporter Type 1 Deficiency Syndrome. Identifiers: Orphanet 71277, MedGen C4551966, MONDO:0011724, OMIM 606777.

Submission:

Sezerman Lab, Dept of Biostatistics and Bioinformatics, Acibadem Mehmet Ali Aydinlar University
Classification: Pathogenic for Encephalopathy due to GLUT1 deficiency. Review status: no assertion criteria provided. Collection method: clinical testing. Allele origin: de novo. Inheritance: Autosomal dominant inheritance. Affected: yes. Observed: 1 variant allele, 1 heterozygote.
Comment: Magnetic resonance imaging (MRI) showed that non-specific white matter abnormalities. Whole Exome Sequencing (WES) data analysis revealed a heterozygous splicing variant in the SLC2A1 gene. Segregation analysis with parental DNA samples indicated that the variant occurred de novo. Lumbar puncture (LP) confirmed the diagnosis. Ismayilova N, Hacohen Y, MacKinnon AD, Elmslie F, Clarke A. GLUT-1 deficiency presenting with seizures and reversible leukoencephalopathy on MRI imaging. European Journal of Paediatric Neurology. 2018;22:1161â€“4.